The following is an entry in ClinVar:

ClinVar aggregate classification (germline): Pathogenic/Likely pathogenic. Review status: criteria provided, multiple submitters, no conflicts (2 of 4 stars). 3 submissions from 3 submitters: Pathogenic (2); Likely pathogenic (1). Last evaluated 2024-09-10.

Conditions:
Neuronal ceroid lipofuscinosis. Also called: Neuronal Ceroid Lipofuscinoses. Identifiers: Orphanet 216, Orphanet 79263, MedGen C0027877, MONDO:0016295. Disease mechanism: loss of function.
Ceroid lipofuscinosis, neuronal, 6A. Also called: Neuronal ceroid lipofuscinosis, Gypsy/Indian early juvenile variant; Neuronal ceroid lipofuscinosis 6; CLN6-Related Neuronal Ceroid-Lipofuscinosis; Neuronal ceroid lipofuscinosis, late infantile, variant. Identifiers: Orphanet 168491, Orphanet 228363, MedGen C5551375, MONDO:0011144, OMIM 601780.

Submissions (3):

Natera, Inc.
Classification: Likely pathogenic for Ceroid lipofuscinosis, neuronal, 6A. Last evaluated: 2024-09-10. Review status: criteria provided, single submitter. Criteria: Natera Variant Classification Schema (03/2026). Collection method: clinical testing. Allele origin: germline.
Comment: The c.397_398del variant in CLN6 is a frameshift variant predicted to shift the reading frame beginning at codon 133 and leads to a stop codon 17 codons downstream. This variant is expected to result in nonsense mediated decay, truncation, or a dysfunctional protein product. This variant is rare in the general population with a frequency below the threshold expected for the associated phenotype(s). Given the available evidence, this variant is classified as Likely Pathogenic.

Labcorp Genetics (formerly Invitae), Labcorp
Classification: Pathogenic for Neuronal ceroid lipofuscinosis. Last evaluated: 2023-07-19. Review status: criteria provided, single submitter. Criteria: Invitae Variant Classification Sherloc (09022015). Collection method: clinical testing. Allele origin: germline.
Comment: This sequence change creates a premature translational stop signal (p.Val133Glnfs*17) in the CLN6 gene. It is expected to result in an absent or disrupted protein product. Loss-of-function variants in CLN6 are known to be pathogenic (PMID: 19135028). For these reasons, this variant has been classified as Pathogenic. ClinVar contains an entry for this variant (Variation ID: 1363826). This variant has not been reported in the literature in individuals affected with CLN6-related conditions. This variant is present in population databases (rs766493088, gnomAD 0.002%).

Revvity Omics, Revvity
Classification: Pathogenic. Last evaluated: 2023-05-19. Review status: criteria provided, single submitter. Criteria: ACMG Guidelines, 2015. Collection method: clinical testing. Allele origin: germline.

Literature cited by the submitters: PubMed 19135028 (cited by Labcorp Genetics (formerly Invitae), Labcorp).

NM_017882.3(CLN6):c.397_398del (p.Val133fs)

Gene: CLN6 (CLN6 transmembrane ER protein; minus strand). Cytogenetic location: 15q23.
Variant type: Deletion.
Coding change: c.397_398del on transcript NM_017882.3 (MANE Select); coding-DNA positions 397 to 398, 2 bases deleted (GT; older notation c.397_398delGT).
Protein change: p.Val133fs; shifts the reading frame from valine 133.
Molecular consequence: frameshift variant.
Genome position (GRCh38, 1-based): chr15:68,211,763-68,211,764, AC deleted on the plus strand (GT on the coding strand, the reverse complement: CLN6 is on the minus strand); deleting any 2 consecutive bases within chr15:68,211,763-68,211,765 gives the same sequence; the c. name uses the placement nearest the transcript's 3' end. VCF-style (leftmost placement, unchanged base first): chr15-68211762-GAC-G. GRCh37 (hg19) VCF-style: chr15-68504100-GAC-G.
Other names: c.397_398del (NM_017882.2); short protein forms V133fs.
Identifiers: ClinVar variation 1363826 (VCV001363826.9), dbSNP rs766493088, ClinGen allele CA7630613.